The following is an entry in ClinVar:

NM_001349338.3(FOXP1):c.1722+1G>T

Gene: FOXP1 (forkhead box P1; minus strand). Cytogenetic location: 3p13.
Variant type: single nucleotide variant.
Coding change: c.1722+1G>T on transcript NM_001349338.3 (MANE Select); the canonical splice donor site of the intron after coding-DNA position 1722, G replaced by T.
Molecular consequence: splice donor variant.
Genome position (GRCh38, 1-based): chr3:70,970,735, C>A on the plus strand (G>T on the coding strand, the complement: FOXP1 is on the minus strand). VCF-style: chr3-70970735-C-A. GRCh37 (hg19) VCF-style: chr3-71019886-C-A.
Other names: c.1770+1G>T (NM_001244810.2); c.1722+1G>T (NM_032682.6, NM_001349340.3, NM_001244816.2 and 1 more transcripts); c.1719+1G>T (NM_001349341.3, NM_001244808.3); c.1494+1G>T (NM_001244812.3); c.1419+1G>T (NM_001349343.3, NM_001349337.2, NM_001370548.1 and 1 more transcripts); c.1422+1G>T (NM_001349342.3, NM_001244815.2, NM_001244813.3).
Identifiers: ClinVar variation 4026456 (VCV004026456.1).

ClinVar aggregate classification (germline): Pathogenic (1 of 4 stars; one submission).

Conditions:
Inborn genetic diseases. Identifiers: MedGen C0950123, MeSH D030342.

Submission:

Ambry Genetics
Classification: Pathogenic for Inborn genetic diseases. Last evaluated: 2025-05-05. Review status: criteria provided, single submitter. Criteria: Ambry Variant Classification Scheme 2023. Collection method: clinical testing. Allele origin: germline.
Comment: The c.1722+1G>T intronic variant results from a G to T substitution one nucleotide after exon 19 (coding exon 14) of the FOXP1 gene. Alterations that disrupt the canonical splice site are expected to cause aberrant splicing, resulting in an abnormal protein or a transcript that is subject to nonsense-mediated mRNA decay. This variant was not reported in population-based cohorts in the Genome Aggregation Database (gnomAD). This nucleotide position is highly conserved in available vertebrate species. In silico splice site analysis predicts that this alteration will weaken the native splice donor site. Based on the available evidence, this alteration is classified as pathogenic.